The following is an entry in ClinVar:

NM_024675.4(PALB2):c.2671T>A (p.Cys891Ser)

Gene: PALB2 (partner and localizer of BRCA2; minus strand). Cytogenetic location: 16p12.2.
Variant type: single nucleotide variant.
Coding change: c.2671T>A on transcript NM_024675.4 (MANE Select); coding-DNA position 2671, T replaced by A.
Protein change: p.Cys891Ser; replaces cysteine 891 with serine.
Molecular consequence: missense variant.
Genome position (GRCh38, 1-based): chr16:23,626,313, A>T on the plus strand (T>A on the coding strand, the complement: PALB2 is on the minus strand). VCF-style: chr16-23626313-A-T. GRCh37 (hg19) VCF-style: chr16-23637634-A-T.
Other names: short protein forms C891S.
Identifiers: ClinVar variation 188308 (VCV000188308.12), dbSNP rs786204208, ClinGen allele CA334577.

ClinVar aggregate classification (germline): Uncertain significance. Review status: criteria provided, multiple submitters, no conflicts (2 of 4 stars). 2 submissions from 2 submitters: Uncertain significance (2). Last evaluated 2021-08-28.

Conditions:
Hereditary cancer-predisposing syndrome. Also called: Neoplastic Syndromes, Hereditary; Tumor predisposition; Hereditary Cancer Syndrome; Hereditary neoplastic syndrome. Identifiers: Orphanet 140162, MedGen C0027672, MeSH D009386, MONDO:0015356.
Familial cancer of breast. Also called: BREAST CANCER, FAMILIAL; Hereditary breast cancer; hereditary breast carcinoma. Identifiers: Orphanet 227535, MedGen C0346153, MONDO:0016419, OMIM 114480. Disease mechanism: loss of function.

Submissions (2):

Ambry Genetics
Classification: Uncertain significance for Hereditary cancer-predisposing syndrome. Last evaluated: 2021-08-28. Review status: criteria provided, single submitter. Criteria: Ambry Variant Classification Scheme 2023. Collection method: clinical testing. Allele origin: germline.
Comment: The p.C891S variant (also known as c.2671T>A), located in coding exon 7 of the PALB2 gene, results from a T to A substitution at nucleotide position 2671. The cysteine at codon 891 is replaced by serine, an amino acid with dissimilar properties. This amino acid position is conserved. In addition, this alteration is predicted to be tolerated by in silico analysis. Since supporting evidence is limited at this time, the clinical significance of this alteration remains unclear.

Labcorp Genetics (formerly Invitae), Labcorp
Classification: Uncertain significance for Familial cancer of breast. Last evaluated: 2016-11-24. Review status: criteria provided, single submitter. Criteria: Invitae Variant Classification Sherloc (09022015). Collection method: clinical testing. Allele origin: germline.
Comment: This sequence change replaces cysteine with serine at codon 891 of the PALB2 protein (p.Cys891Ser). The cysteine residue is highly conserved and there is a moderate physicochemical difference between cysteine and serine. This variant is not present in population databases (ExAC no frequency) and has not been reported in the literature in individuals with a PALB2-related disease. ClinVar contains an entry for this variant (Variation ID: 188308). Algorithms developed to predict the effect of missense changes on protein structure and function do not agree on the potential impact of this missense change (SIFT: "Tolerated"; PolyPhen-2: "Possibly Damaging"; Align-GVGD: "Class C0"). In summary, this variant is a rare missense change with uncertain impact on protein function. There is no indication that it causes disease, but the available evidence is currently insufficient to prove that conclusively. Therefore, it has been classified as a Variant of Uncertain Significance.